The following is an entry in ClinVar:

ClinVar aggregate classification (germline): Likely benign. Review status: criteria provided, multiple submitters, no conflicts (2 of 4 stars). 3 submissions from 3 submitters: Likely benign (3). Last evaluated 2025-08-28.

Conditions:
Dyskeratosis congenita, autosomal dominant 2. Identifiers: MedGen C3151443, MONDO:0013521, OMIM 613989.
Idiopathic Pulmonary Fibrosis. Also called: Idiopathic fibrosing alveolitis, chronic form; idiopathic fibrosing alveolitis. Identifiers: Orphanet 2032, MedGen C1800706, MeSH D054990, MONDO:0800504.
Dyskeratosis congenita. Identifiers: Orphanet 1775, MedGen C0265965, MONDO:0015780.

Submissions (3):

Ambry Genetics
Classification: Likely benign for Dyskeratosis congenita. Last evaluated: 2025-08-28. Review status: criteria provided, single submitter. Criteria: Ambry Variant Classification Scheme 2023. Collection method: clinical testing. Allele origin: germline.

Labcorp Genetics (formerly Invitae), Labcorp
Classification: Likely benign for Dyskeratosis congenita, autosomal dominant 2; Idiopathic Pulmonary Fibrosis. Last evaluated: 2023-06-28. Review status: criteria provided, single submitter. Criteria: Invitae Variant Classification Sherloc (09022015). Collection method: clinical testing. Allele origin: germline.

CeGaT Center for Human Genetics Tuebingen
Classification: Likely benign. Last evaluated: 2022-11-01. Review status: criteria provided, single submitter. Criteria: CeGaT Center For Human Genetics Tuebingen Variant Classification Criteria Version 2. Collection method: clinical testing. Allele origin: germline. Affected: yes. Observed: 1 variant allele.
Comment: TERT: PM2:Supporting, BP4, BP7

NM_198253.3(TERT):c.126G>C (p.Gly42=)

Genes: TERT (telomerase reverse transcriptase; minus strand), LOC110806263 (TERT 5' regulatory region; plus strand). Cytogenetic location: 5p15.33.
Variant type: single nucleotide variant.
Coding change: c.126G>C on transcript NM_198253.3 (MANE Select); coding-DNA position 126, G replaced by C.
Protein change: p.Gly42=; no amino-acid change (glycine 42 retained).
Molecular consequence: synonymous variant. On other transcripts: non-coding transcript variant (2).
Genome position (GRCh38, 1-based): chr5:1,294,864, C>G on the plus strand (G>C on the coding strand, the complement: TERT is on the minus strand). VCF-style: chr5-1294864-C-G. GRCh37 (hg19) VCF-style: chr5-1294979-C-G.
Other names: c.126G>C, p.Gly42= (NM_001193376.3); c.126G>C (NM_198253.2).
Identifiers: ClinVar variation 1113866 (VCV001113866.33), dbSNP rs2126691882, ClinGen allele CA443005817.